The following is an entry in ClinVar:

ClinVar aggregate classification (germline): Benign/Likely benign. Review status: criteria provided, multiple submitters, no conflicts (2 of 4 stars). 4 submissions from 4 submitters: Benign (1); Likely benign (3). Last evaluated 2026-01-25.

Conditions:
Primary ciliary dyskinesia 10. Also called: CILIARY DYSKINESIA, PRIMARY, 10, WITH OR WITHOUT SITUS INVERSUS. Identifiers: Orphanet 244, MedGen C2675867, MONDO:0012918, OMIM 612518.
Primary ciliary dyskinesia. Also called: Ciliary dyskinesia. Identifiers: Orphanet 244, MedGen C0008780, MONDO:0016575, HP:0012265.

Allele frequency attached by ClinVar (database versions not stated): gnomAD 0.00002 and 0.00056; TOPMed 0.00012; gnomAD exomes 0.00093 and 0.00197; ExAC 0.00211; 1000 Genomes Project 30x 0.00437; 1000 Genomes Project 0.00479.
gnomAD v4.1: 1,423 of 1,606,150 alleles (0.089%); highest among the groups gnomAD compares: South Asian, 1.5%; 24 homozygotes.

Submissions (4):

Labcorp Genetics (formerly Invitae), Labcorp
Classification: Benign for Primary ciliary dyskinesia. Last evaluated: 2026-01-25. Review status: criteria provided, single submitter. Criteria: Invitae Variant Classification Sherloc (09022015). Collection method: clinical testing. Allele origin: germline.

Ambry Genetics
Classification: Likely benign for Primary ciliary dyskinesia. Last evaluated: 2022-03-07. Review status: criteria provided, single submitter. Criteria: Ambry Variant Classification Scheme 2023. Collection method: clinical testing. Allele origin: germline.

Illumina Laboratory Services, Illumina
Classification: Likely benign for Primary ciliary dyskinesia 10. Last evaluated: 2018-01-13. Review status: criteria provided, single submitter. Criteria: ICSL Variant Classification Criteria 13 December 2019. Collection method: clinical testing. Allele origin: germline.
Comment: This variant was observed in the ICSL laboratory as part of a predisposition screen in an ostensibly healthy population. It had not been previously curated by ICSL or reported in the Human Gene Mutation Database (HGMD: prior to June 1st, 2018), and was therefore a candidate for classification through an automated scoring system. Utilizing variant allele frequency, disease prevalence and penetrance estimates, and inheritance mode, an automated score was calculated to assess if this variant is too frequent to cause the disease. Based on the score and internal cut-off values, a variant classified as likely benign is not then subjected to further curation. The score for this variant resulted in a classification of likely benign for this disease.

PreventionGenetics, part of Exact Sciences
Classification: Likely benign. Review status: criteria provided, single submitter. Criteria: ACMG Guidelines, 2015. Collection method: clinical testing. Allele origin: germline.

NM_018139.3(DNAAF2):c.561C>T (p.Thr187=)

Gene: DNAAF2 (dynein axonemal assembly factor 2; minus strand). Cytogenetic location: 14q21.3.
Variant type: single nucleotide variant.
Coding change: c.561C>T on transcript NM_018139.3 (MANE Select); coding-DNA position 561, C replaced by T.
Protein change: p.Thr187=; no amino-acid change (threonine 187 retained).
Molecular consequence: synonymous variant.
Genome position (GRCh38, 1-based): chr14:49,634,589, G>A on the plus strand (C>T on the coding strand, the complement: DNAAF2 is on the minus strand). VCF-style: chr14-49634589-G-A. GRCh37 (hg19) VCF-style: chr14-50101307-G-A.
Other names: c.561C>T, p.Thr187= (NM_001083908.2).
Identifiers: ClinVar variation 261020 (VCV000261020.19), dbSNP rs529083217, ClinGen allele CA7173085.